The following is an entry in ClinVar:

NM_138477.4(CDAN1):c.2432C>T (p.Ser811Leu)

Gene: CDAN1 (codanin 1; minus strand). Cytogenetic location: 15q15.2.
Variant type: single nucleotide variant.
Coding change: c.2432C>T on transcript NM_138477.4 (MANE Select); coding-DNA position 2432, C replaced by T.
Protein change: p.Ser811Leu; replaces serine 811 with leucine.
Molecular consequence: missense variant.
Genome position (GRCh38, 1-based): chr15:42,729,338, G>A on the plus strand (C>T on the coding strand, the complement: CDAN1 is on the minus strand). VCF-style: chr15-42729338-G-A. GRCh37 (hg19) VCF-style: chr15-43021536-G-A.
Other names: p.Ser811Leu; short protein forms S811L.
Identifiers: ClinVar variation 1698131 (VCV001698131.8), dbSNP rs141304487, ClinGen allele CA7515650.

ClinVar aggregate classification (germline): Conflicting classifications of pathogenicity. Review status: criteria provided, conflicting classifications (1 of 4 stars). 5 submissions from 5 submitters: Uncertain significance (4); Likely benign (1). Last evaluated 2024-09-27.

Conditions:
Inborn genetic diseases. Identifiers: MedGen C0950123, MeSH D030342.
Anemia, congenital dyserythropoietic, type 1a (CDAN1A). Also called: DYSERYTHROPOIETIC ANEMIA, CONGENITAL, TYPE Ia; CDAN1-Related Congenital Dyserythropoietic Anemia. Identifiers: MedGen C5574667, MONDO:0009135, OMIM 224120.

Allele frequency attached by ClinVar (database versions not stated): gnomAD exomes 0.00001 and 0.00003; ExAC 0.00005; gnomAD 0.00013 and 0.00014; TOPMed 0.00013; ESP Exome Variant Server 0.00015; 1000 Genomes Project 30x 0.00016; 1000 Genomes Project 0.00020.
gnomAD v4.1: 41 of 1,614,130 alleles (0.0025%); highest among the groups gnomAD compares: African/African-American, 0.032%; no homozygotes.

Submissions (5):

ARUP Laboratories, Molecular Genetics and Genomics, ARUP Laboratories
Classification: Uncertain significance for Anemia, congenital dyserythropoietic, type 1a. Last evaluated: 2024-09-27. Review status: criteria provided, single submitter. Criteria: ARUP Molecular Germline Variant Investigation Process 2024. Collection method: clinical testing. Allele origin: germline.
Comment: The CDAN1 c.2432C>T; p.Ser811Leu variant (rs141304487), to our knowledge, is not reported in the medical literature but is reported in ClinVar (Variation ID: 1698131). This variant is found in the African/African-American population with an allele frequency of 0.04% (11/24,698 alleles) in the Genome Aggregation Database (v2.1.1). Computational analyses are uncertain whether this variant is neutral or deleterious (REVEL: 0.281). Due to limited information, the clinical significance of this variant is uncertain at this time.

Mayo Clinic Laboratories, Mayo Clinic
Classification: Uncertain significance. Last evaluated: 2024-07-25. Review status: criteria provided, single submitter. Criteria: ACMG Guidelines, 2015. Collection method: clinical testing. Allele origin: germline. Observed: 1 variant allele.
Comment: PM2

Ambry Genetics
Classification: Likely benign for Inborn genetic diseases. Last evaluated: 2023-11-28. Review status: criteria provided, single submitter. Criteria: Ambry Variant Classification Scheme 2023. Collection method: clinical testing. Allele origin: germline.

Labcorp Genetics (formerly Invitae), Labcorp
Classification: Uncertain significance. Last evaluated: 2023-06-30. Review status: criteria provided, single submitter. Criteria: Invitae Variant Classification Sherloc (09022015). Collection method: clinical testing. Allele origin: germline.
Comment: This sequence change replaces serine, which is neutral and polar, with leucine, which is neutral and non-polar, at codon 811 of the CDAN1 protein (p.Ser811Leu). This variant is present in population databases (rs141304487, gnomAD 0.05%). This variant has not been reported in the literature in individuals affected with CDAN1-related conditions. ClinVar contains an entry for this variant (Variation ID: 1698131). Algorithms developed to predict the effect of missense changes on protein structure and function output the following: SIFT: "Not Available"; PolyPhen-2: "Benign"; Align-GVGD: "Not Available". The leucine amino acid residue is found in multiple mammalian species, which suggests that this missense change does not adversely affect protein function. Algorithms developed to predict the effect of sequence changes on RNA splicing suggest that this variant may create or strengthen a splice site. In summary, the available evidence is currently insufficient to determine the role of this variant in disease. Therefore, it has been classified as a Variant of Uncertain Significance.

GeneDx
Classification: Uncertain significance. Last evaluated: 2022-01-20. Review status: criteria provided, single submitter. Criteria: GeneDx Variant Classification Process June 2021. Collection method: clinical testing. Allele origin: germline. Affected: yes.
Comment: In silico analysis supports that this missense variant has a deleterious effect on protein structure/function; In silico analysis, which includes splice predictors and evolutionary conservation, suggests this variant may impact gene splicing. In the absence of RNA/functional studies, the actual effect of this sequence change is unknown.; Has not been previously published as pathogenic or benign to our knowledge